The following is an entry in ClinVar:

NM_003072.5(SMARCA4):c.1114T>C (p.Tyr372His)

Gene: SMARCA4 (SWI/SNF related BAF chromatin remodeling complex subunit ATPase 4; plus strand). Cytogenetic location: 19p13.2.
Variant type: single nucleotide variant.
Coding change: c.1114T>C on transcript NM_003072.5 (MANE Select); coding-DNA position 1114, T replaced by C.
Protein change: p.Tyr372His; replaces tyrosine 372 with histidine.
Molecular consequence: missense variant. On other transcripts: non-coding transcript variant (1).
Genome position (GRCh38, 1-based): chr19:10,987,920, T>C. VCF-style: chr19-10987920-T-C. GRCh37 (hg19) VCF-style: chr19-11098596-T-C.
Other names: p.Tyr372His; c.1114T>C, p.Tyr372His (NM_001128844.3, NM_001128845.2, NM_001128846.2 and 5 more transcripts); c.1114T>C (NM_001128849.2); short protein forms Y372H.
Identifiers: ClinVar variation 126355 (VCV000126355.46), dbSNP rs140192268, ClinGen allele CA151103.

ClinVar aggregate classification (germline): Benign/Likely benign. Review status: criteria provided, multiple submitters, no conflicts (2 of 4 stars). 18 submissions from 18 submitters: Benign (12); Likely benign (2). 4 of the submissions do not count toward it. Last evaluated 2026-02-04.

Conditions:
Hereditary cancer-predisposing syndrome. Also called: Tumor predisposition; Hereditary neoplastic syndrome; Neoplastic Syndromes, Hereditary; Hereditary Cancer Syndrome. Identifiers: Orphanet 140162, MedGen C0027672, MeSH D009386, MONDO:0015356.
Intellectual disability, autosomal dominant 16 (CSS4). Also called: COFFIN-SIRIS SYNDROME 4. Identifiers: Orphanet 1465, MedGen C3553249, MONDO:0013821, OMIM 614609.
Rhabdoid tumor predisposition syndrome 2 (RTPS2). Identifiers: Orphanet 231108, Orphanet 69077, MedGen C2750074, MONDO:0013224, OMIM 613325.
Coffin-Siris syndrome. Identifiers: Orphanet 1465, MedGen C0265338, MONDO:0015452.

Allele frequency attached by ClinVar (database versions not stated): 1000 Genomes Project 0.00539; 1000 Genomes Project 30x 0.00640; gnomAD exomes 0.00961; gnomAD 0.00995 and 0.01034; ExAC 0.01025; ESP Exome Variant Server 0.01097; TOPMed 0.01101.
gnomAD v4.1: 22,363 of 1,612,450 alleles (1.4%); highest among the groups gnomAD compares: Non-Finnish European, 1.7%; 217 homozygotes.

Submissions (18):

Labcorp Genetics (formerly Invitae), Labcorp
Classification: Benign for Rhabdoid tumor predisposition syndrome 2. Last evaluated: 2026-02-04. Review status: criteria provided, single submitter. Criteria: Invitae Variant Classification Sherloc (09022015). Collection method: clinical testing. Allele origin: germline.

Dasa
Classification: Benign. Last evaluated: 2026-01-26. Review status: criteria provided, single submitter. Criteria: DASA Assertion Criteria. Collection method: clinical testing. Allele origin: germline.
Comment: NM_003072.5(SMARCA4):c.1114T>C (p.Tyr372His) is a missense variant that results in the substitution of tyrosine with histidine. Population frequency is inconsistent with a disease-causing role for this variant. Therefore, based on the currently available evidence, this variant is classified as benign.

Myriad Genetics, Inc.
Classification: Benign for Rhabdoid tumor predisposition syndrome 2. Last evaluated: 2025-11-20. Review status: criteria provided, single submitter. Criteria: Myriad Autosomal Dominant, Autosomal Recessive and X-Linked Classification Criteria (2023). Collection method: clinical testing. Allele origin: unknown.
Comment: This variant is considered benign. This variant has been observed at a population frequency that is significantly greater than expected given the associated disease prevalence and penetrance. Homozygosity has been confirmed in one or more individuals. As homozygosity for pathogenic variants in this gene is generally assumed to result in embryonic lethality, this variant is unlikely to be pathogenic.

Quest Diagnostics Nichols Institute San Juan Capistrano
Classification: Benign. Last evaluated: 2025-04-12. Review status: criteria provided, single submitter. Criteria: Quest Diagnostics criteria. Collection method: clinical testing. Allele origin: unknown.

ARUP Laboratories, Molecular Genetics and Genomics, ARUP Laboratories
Classification: Benign. Last evaluated: 2024-12-16. Review status: criteria provided, single submitter. Criteria: ARUP Molecular Germline Variant Investigation Process 2024. Collection method: clinical testing. Allele origin: germline.

Blueprint Genetics
Classification: Likely benign. Last evaluated: 2024-11-28. Review status: criteria provided, single submitter. Criteria: ACMG Guidelines, 2015. Collection method: clinical testing. Allele origin: germline.

Mayo Clinic Laboratories, Mayo Clinic
Classification: Likely benign. Last evaluated: 2024-10-22. Review status: criteria provided, single submitter. Criteria: ACMG Guidelines, 2015. Collection method: clinical testing. Allele origin: germline. Observed: 6 variant alleles.
Comment: BS1, BS2

Department of Pathology and Laboratory Medicine, Sinai Health System
Classification: Benign for Coffin-Siris syndrome. Last evaluated: 2022-08-16. Review status: criteria provided, single submitter. Criteria: ACMG Guidelines, 2015. Collection method: clinical testing. Allele origin: germline. Affected: yes.

Genome-Nilou Lab
Classification: Benign for Intellectual disability, autosomal dominant 16. Last evaluated: 2021-07-15. Review status: criteria provided, single submitter. Criteria: ACMG Guidelines, 2015. Collection method: clinical testing. Allele origin: germline. Affected: no.

Illumina Laboratory Services, Illumina
Classification: Benign for Coffin-Siris syndrome. Last evaluated: 2018-01-13. Review status: criteria provided, single submitter. Criteria: ICSL Variant Classification Criteria 13 December 2019. Collection method: clinical testing. Allele origin: germline.
Comment: This variant was observed in the ICSL laboratory as part of a predisposition screen in an ostensibly healthy population. It had not been previously curated by ICSL or reported in the Human Gene Mutation Database (HGMD: prior to June 1st, 2018), and was therefore a candidate for classification through an automated scoring system. Utilizing variant allele frequency, disease prevalence and penetrance estimates, and inheritance mode, an automated score was calculated to assess if this variant is too frequent to cause the disease. Based on the score and internal cut-off values, a variant classified as benign is not then subjected to further curation. The score for this variant resulted in a classification of benign for this disease.

GeneDx
Classification: Benign. Last evaluated: 2016-10-21. Review status: criteria provided, single submitter. Criteria: GeneDx Variant Classification (06012015). Collection method: clinical testing. Allele origin: germline. Affected: yes.
Comment: This variant is considered likely benign or benign based on one or more of the following criteria: it is a conservative change, it occurs at a poorly conserved position in the protein, it is predicted to be benign by multiple in silico algorithms, and/or has population frequency not consistent with disease.

Ambry Genetics
Classification: Benign for Hereditary cancer-predisposing syndrome. Last evaluated: 2015-05-20. Review status: criteria provided, single submitter. Criteria: Ambry Variant Classification Scheme 2023. Collection method: clinical testing. Allele origin: germline.

Breakthrough Genomics
Classification: Benign. Review status: criteria provided, single submitter. Criteria: ACMG Guidelines, 2015. Collection method: not provided. Allele origin: germline. Inheritance: Autosomal dominant inheritance. Affected: yes.

PreventionGenetics, part of Exact Sciences
Classification: Benign. Review status: criteria provided, single submitter. Criteria: ACMG Guidelines, 2015. Collection method: clinical testing. Allele origin: germline.

ITMI
No classification provided. Condition: AllHighlyPenetrant. Last evaluated: 2013-09-19. Review status: no classification provided. Collection method: reference population. Allele origin: germline. Not counted in ClinVar's aggregate classification.
Comment: Please see associated publication for description of ethnicities

Genetic Services Laboratory, University of Chicago
Classification: Likely benign for AllHighlyPenetrant. Review status: no assertion criteria provided. Collection method: clinical testing. Allele origin: germline. Inheritance: Autosomal dominant inheritance. Observed: 2 variant alleles. Not counted in ClinVar's aggregate classification.
Comment: Likely benign based on allele frequency in 1000 Genomes Project or ESP global frequency and its presence in a patient with a rare or unrelated disease phenotype. NOT Sanger confirmed.

Genome Diagnostics Laboratory, Amsterdam University Medical Center
Classification: Benign. Review status: no assertion criteria provided. Collection method: clinical testing. Allele origin: germline. Affected: yes. Study: VKGL Data-share Consensus. Not counted in ClinVar's aggregate classification.

Laboratory of Diagnostic Genome Analysis, Leiden University Medical Center (LUMC)
Classification: Likely benign. Review status: no assertion criteria provided. Collection method: clinical testing. Allele origin: germline. Affected: yes. Study: VKGL Data-share Consensus. Not counted in ClinVar's aggregate classification.

Literature cited by the submitters: PubMed 24728327 (cited by Quest Diagnostics Nichols Institute San Juan Capistrano and ITMI).